The following is an entry in ClinVar:

ClinVar aggregate classification (germline): Benign. Review status: criteria provided, single submitter (1 of 4 stars). 2 submissions from 2 submitters: Benign (1). 1 of the submissions does not count toward it. Last evaluated 2019-12-31.

Conditions:
REV3L-related disorder. Also called: REV3L-related condition.

Allele frequency attached by ClinVar (database versions not stated): gnomAD exomes 0.00075 and 0.00245; gnomAD 0.00108 and 0.00137; TOPMed 0.00162; ExAC 0.00238; 1000 Genomes Project 30x 0.00625; 1000 Genomes Project 0.00679.
gnomAD v4.1: 1,380 of 1,614,222 alleles (0.085%); highest among the groups gnomAD compares: East Asian, 2.5%; 21 homozygotes.

Submissions (2):

Labcorp Genetics (formerly Invitae), Labcorp
Classification: Benign. Last evaluated: 2019-12-31. Review status: criteria provided, single submitter. Criteria: Invitae Variant Classification Sherloc (09022015). Collection method: clinical testing. Allele origin: germline.

PreventionGenetics, part of Exact Sciences
Classification: Benign for REV3L-related condition. Last evaluated: 2019-04-01. Review status: no assertion criteria provided. Collection method: clinical testing. Allele origin: germline. Not counted in ClinVar's aggregate classification.
Comment: This variant is classified as benign based on ACMG/AMP sequence variant interpretation guidelines (Richards et al. 2015 PMID: 25741868, with internal and published modifications).

NM_001372078.1(REV3L):c.9108T>C (p.Tyr3036=)

Gene: REV3L (REV3 like, DNA directed polymerase zeta catalytic subunit; minus strand). Cytogenetic location: 6q21.
Variant type: single nucleotide variant.
Coding change: c.9108T>C on transcript NM_001372078.1 (MANE Select); coding-DNA position 9108, T replaced by C.
Protein change: p.Tyr3036=; no amino-acid change (tyrosine 3036 retained).
Molecular consequence: synonymous variant.
Genome position (GRCh38, 1-based): chr6:111,307,505, A>G on the plus strand (T>C on the coding strand, the complement: REV3L is on the minus strand). VCF-style: chr6-111307505-A-G. GRCh37 (hg19) VCF-style: chr6-111628708-A-G.
Other names: c.8874T>C, p.Tyr2958= (NM_001286431.2, NM_001286432.2); c.9108T>C, p.Tyr3036= (NM_002912.5).
Identifiers: ClinVar variation 707970 (VCV000707970.6), dbSNP rs3218602, ClinGen allele CA3961091.